The following is an entry in ClinVar:

ClinVar aggregate classification (germline): Conflicting classifications of pathogenicity. Review status: criteria provided, conflicting classifications (1 of 4 stars). 2 submissions from 2 submitters: Pathogenic (1); Uncertain significance (1). Last evaluated 2025-06-20.

Conditions:
Hereditary cancer-predisposing syndrome. Also called: Neoplastic Syndromes, Hereditary; Tumor predisposition; Hereditary neoplastic syndrome; Hereditary Cancer Syndrome. Identifiers: Orphanet 140162, MedGen C0027672, MeSH D009386, MONDO:0015356.
EGFR-related lung cancer (EGFR). Identifiers: MedGen CN130014.

Allele frequency attached by ClinVar (database versions not stated): gnomAD exomes below 0.00001.
gnomAD v4.1: 1 of 1,614,202 alleles (0.000062%); highest among the groups gnomAD compares: Non-Finnish European, 0.000085%; no homozygotes.

Submissions (2):

Ambry Genetics
Classification: Uncertain significance for Hereditary cancer-predisposing syndrome. Last evaluated: 2025-06-20. Review status: criteria provided, single submitter. Criteria: Ambry Variant Classification Scheme 2023. Collection method: clinical testing. Allele origin: germline.
Comment: The p.W905* variant (also known as c.2715G>A), located in coding exon 23 of the EGFR gene, results from a G to A substitution at nucleotide position 2715. This changes the amino acid from a tryptophan to a stop codon within coding exon 23. This alteration is expected to result in loss of function by premature protein truncation or nonsense-mediated mRNA decay. Although biallelic loss of function of EGFR are known to cause EGFR-related neonatal inflammatory skin and bowel disease, such associations with EGFR-related lung cancer have not been reported. Based on the supporting evidence, this variant is expected to be causative of EGFR-related neonatal inflammatory skin and bowel disease when present along with a second pathogenic variant on the other allele; however, its clinical significance for EGFR-related lung cancer is unclear.

Labcorp Genetics (formerly Invitae), Labcorp
Classification: Pathogenic for EGFR-related lung cancer. Last evaluated: 2021-09-21. Review status: criteria provided, single submitter. Criteria: Invitae Variant Classification Sherloc (09022015). Collection method: clinical testing. Allele origin: germline.
Comment: For these reasons, this variant has been classified as Pathogenic. This variant has not been reported in the literature in individuals affected with EGFR-related conditions. This variant is not present in population databases (ExAC no frequency). This sequence change creates a premature translational stop signal (p.Trp905*) in the EGFR gene. It is expected to result in an absent or disrupted protein product. Loss-of-function variants in EGFR are known to be pathogenic (PMID: 7630400, 28726809, 29899996).

Literature cited by the submitters: PubMed 7630400 (cited by Labcorp Genetics (formerly Invitae), Labcorp); PubMed 28726809 (cited by Labcorp Genetics (formerly Invitae), Labcorp); PubMed 29899996 (cited by Labcorp Genetics (formerly Invitae), Labcorp).

NM_005228.5(EGFR):c.2715G>A (p.Trp905Ter)

Gene: EGFR (epidermal growth factor receptor; plus strand). Cytogenetic location: 7p11.2.
Variant type: single nucleotide variant.
Coding change: c.2715G>A on transcript NM_005228.5 (MANE Select); coding-DNA position 2715, G replaced by A.
Protein change: p.Trp905Ter; replaces tryptophan 905 with a stop codon.
Molecular consequence: nonsense.
Genome position (GRCh38, 1-based): chr7:55,198,730, G>A. VCF-style: chr7-55198730-G-A. GRCh37 (hg19) VCF-style: chr7-55266423-G-A.
Other names: c.2580G>A, p.Trp860Ter (NM_001346897.2, NM_001346899.2); c.2715G>A, p.Trp905Ter (NM_001346898.2); c.2556G>A, p.Trp852Ter (NM_001346900.2); c.1914G>A, p.Trp638Ter (NM_001346941.2); c.2715G>A (NM_005228.3); short protein forms W638*, W852*, W905*, W860*.
Identifiers: ClinVar variation 1366549 (VCV001366549.7), dbSNP rs2128968646, ClinGen allele CA367581193.